The following is an entry in ClinVar:

ClinVar aggregate classification (germline): Conflicting classifications of pathogenicity. Review status: criteria provided, conflicting classifications (1 of 4 stars). 8 submissions from 8 submitters: Uncertain significance (4); Benign (1); Likely benign (2). 1 of the submissions does not count toward it. Last evaluated 2026-01-26.

Conditions:
Combined oxidative phosphorylation defect type 7. Identifiers: Orphanet 254930, MedGen C3150801, MONDO:0013306, OMIM 613559.
MTRFR-related disorder. Also called: MTRFR-related condition.
Spastic paraplegia. Identifiers: MedGen C0037772, HP:0001258.
Hereditary spastic paraplegia. Also called: Familial spastic paraparesis. Identifiers: Orphanet 685, MedGen C0037773, MONDO:0019064. Disease mechanism: loss of function.

Allele frequency attached by ClinVar (database versions not stated): gnomAD exomes 0.00021 and 0.00042; ExAC 0.00045; gnomAD 0.00078 and 0.00082; TOPMed 0.00084; ESP Exome Variant Server 0.00108; 1000 Genomes Project 0.00140; 1000 Genomes Project 30x 0.00141.

Submissions (8):

Labcorp Genetics (formerly Invitae), Labcorp
Classification: Likely benign for Combined oxidative phosphorylation defect type 7; Spastic paraplegia. Last evaluated: 2026-01-26. Review status: criteria provided, single submitter. Criteria: Invitae Variant Classification Sherloc (09022015). Collection method: clinical testing. Allele origin: germline.

Blueprint Genetics
Classification: Uncertain significance. Last evaluated: 2024-09-23. Review status: criteria provided, single submitter. Criteria: ACMG Guidelines, 2015. Collection method: clinical testing. Allele origin: germline.

CeGaT Center for Human Genetics Tuebingen
Classification: Uncertain significance. Last evaluated: 2022-11-01. Review status: criteria provided, single submitter. Criteria: CeGaT Center For Human Genetics Tuebingen Variant Classification Criteria Version 2. Collection method: clinical testing. Allele origin: germline. Affected: yes. Observed: 4 variant alleles.
Comment: MTRFR: PM2:Supporting, BP4

Genome Diagnostics Laboratory, The Hospital for Sick Children
Classification: Likely benign for Hereditary spastic paraplegia. Last evaluated: 2019-12-01. Review status: criteria provided, single submitter. Criteria: ACMG Guidelines, 2015. Collection method: clinical testing. Allele origin: germline. Affected: yes.

Illumina Laboratory Services, Illumina
Classification: Uncertain significance for Combined oxidative phosphorylation defect type 7. Last evaluated: 2018-01-13. Review status: criteria provided, single submitter. Criteria: ICSL Variant Classification Criteria 13 December 2019. Collection method: clinical testing. Allele origin: germline.

Genomic Diagnostic Laboratory, Division of Genomic Diagnostics, Children's Hospital of Philadelphia
Classification: Uncertain significance. Last evaluated: 2015-05-05. Review status: criteria provided, single submitter. Criteria: DGD Variant Analysis Guidelines. Collection method: clinical testing. Allele origin: unknown.

GeneDx
Classification: Benign. Last evaluated: 2014-04-09. Review status: criteria provided, single submitter. Criteria: GeneDx Variant Classification (06012015). Collection method: clinical testing. Allele origin: germline. Affected: yes.
Comment: This variant is considered likely benign or benign based on one or more of the following criteria: it is a conservative change, it occurs at a poorly conserved position in the protein, it is predicted to be benign by multiple in silico algorithms, and/or has population frequency not consistent with disease.

PreventionGenetics, part of Exact Sciences
Classification: Likely benign for MTRFR-related condition. Last evaluated: 2022-03-30. Review status: no assertion criteria provided. Collection method: clinical testing. Allele origin: germline. Not counted in ClinVar's aggregate classification.
Comment: This variant is classified as likely benign based on ACMG/AMP sequence variant interpretation guidelines (Richards et al. 2015 PMID: 25741868, with internal and published modifications).

NM_152269.5(MTRFR):c.413A>G (p.Lys138Arg)

Gene: MTRFR (mitochondrial translation release factor in rescue; plus strand). Cytogenetic location: 12q24.31.
Variant type: single nucleotide variant.
Coding change: c.413A>G on transcript NM_152269.5 (MANE Select); coding-DNA position 413, A replaced by G.
Protein change: p.Lys138Arg; replaces lysine 138 with arginine.
Molecular consequence: missense variant.
Genome position (GRCh38, 1-based): chr12:123,256,943, A>G. VCF-style: chr12-123256943-A-G. GRCh37 (hg19) VCF-style: chr12-123741490-A-G.
Other names: p.K138R:AAA>AGA; c.413A>G, p.Lys138Arg (NM_001143905.2, NM_001194995.1); short protein forms K138R.
Identifiers: ClinVar variation 136596 (VCV000136596.60), dbSNP rs147328685, ClinGen allele CA289765.